The following is an entry in ClinVar:

ClinVar aggregate classification (germline): Uncertain significance (1 of 4 stars; one submission).

Conditions:
Hereditary cancer-predisposing syndrome. Also called: Hereditary Cancer Syndrome; Hereditary neoplastic syndrome; Neoplastic Syndromes, Hereditary; Tumor predisposition. Identifiers: Orphanet 140162, MedGen C0027672, MeSH D009386, MONDO:0015356.

Submission:

Ambry Genetics
Classification: Uncertain significance for Hereditary cancer-predisposing syndrome. Last evaluated: 2022-06-18. Review status: criteria provided, single submitter. Criteria: Ambry Variant Classification Scheme 2023. Collection method: clinical testing. Allele origin: germline.
Comment: The p.V139G variant (also known as c.416T>G), located in coding exon 3 of the EPCAM gene, results from a T to G substitution at nucleotide position 416. The valine at codon 139 is replaced by glycine, an amino acid with dissimilar properties. This amino acid position is conserved. In addition, this alteration is predicted to be deleterious by in silico analysis. Since supporting evidence is limited at this time, the clinical significance of this alteration remains unclear.

NM_002354.3(EPCAM):c.416T>G (p.Val139Gly)

Gene: EPCAM (epithelial cell adhesion molecule; plus strand). Cytogenetic location: 2p21.
Variant type: single nucleotide variant.
Coding change: c.416T>G on transcript NM_002354.3 (MANE Select); coding-DNA position 416, T replaced by G.
Protein change: p.Val139Gly; replaces valine 139 with glycine.
Molecular consequence: missense variant.
Genome position (GRCh38, 1-based): chr2:47,374,039, T>G. VCF-style: chr2-47374039-T-G. GRCh37 (hg19) VCF-style: chr2-47601178-T-G.
Other names: short protein forms V139G.
Identifiers: ClinVar variation 1738418 (VCV001738418.2), dbSNP rs2465457684, ClinGen allele CA346723499.